The following is an entry in ClinVar:

ClinVar aggregate classification (germline): Uncertain significance (1 of 4 stars; one submission).

Conditions:
Inborn genetic diseases. Identifiers: MedGen C0950123, MeSH D030342.

Submission:

Ambry Genetics
Classification: Uncertain significance for Inborn genetic diseases. Last evaluated: 2024-12-08. Review status: criteria provided, single submitter. Criteria: Ambry Variant Classification Scheme 2023. Collection method: clinical testing. Allele origin: germline.
Comment: The p.E299A variant (also known as c.896A>C), located in coding exon 7 of the FANCG gene, results from an A to C substitution at nucleotide position 896. The glutamic acid at codon 299 is replaced by alanine, an amino acid with dissimilar properties. This amino acid position is conserved. In addition, this alteration is predicted to be tolerated by in silico analysis. Based on the available evidence, the clinical significance of this variant remains unclear.

NM_004629.2(FANCG):c.896A>C (p.Glu299Ala)

Gene: FANCG (FA complementation group G; minus strand). Cytogenetic location: 9p13.3.
Variant type: single nucleotide variant.
Coding change: c.896A>C on transcript NM_004629.2 (MANE Select); coding-DNA position 896, A replaced by C.
Protein change: p.Glu299Ala; replaces glutamic acid 299 with alanine.
Molecular consequence: missense variant.
Genome position (GRCh38, 1-based): chr9:35,076,752, T>G on the plus strand (A>C on the coding strand, the complement: FANCG is on the minus strand). VCF-style: chr9-35076752-T-G. GRCh37 (hg19) VCF-style: chr9-35076749-T-G.
Other names: short protein forms E299A.
Identifiers: ClinVar variation 3512862 (VCV003512862.1).